The following is an entry in ClinVar:

NM_001846.4(COL4A2):c.953A>G (p.Gln318Arg)

Gene: COL4A2 (collagen type IV alpha 2 chain; plus strand). Cytogenetic location: 13q34.
Variant type: single nucleotide variant.
Coding change: c.953A>G on transcript NM_001846.4 (MANE Select); coding-DNA position 953, A replaced by G.
Protein change: p.Gln318Arg; replaces glutamine 318 with arginine.
Molecular consequence: missense variant.
Genome position (GRCh38, 1-based): chr13:110,439,829, A>G. VCF-style: chr13-110439829-A-G. GRCh37 (hg19) VCF-style: chr13-111092176-A-G.
Other names: short protein forms Q318R.
Identifiers: ClinVar variation 2728876 (VCV002728876.3), dbSNP rs201690865, ClinGen allele CA388732778.

ClinVar aggregate classification (germline): Uncertain significance (1 of 4 stars; one submission).

gnomAD v4.1: 2 of 1,613,936 alleles (0.00012%); highest among the groups gnomAD compares: Admixed American, 0.0017%; no homozygotes.

Submission:

Labcorp Genetics (formerly Invitae), Labcorp
Classification: Uncertain significance. Last evaluated: 2023-01-20. Review status: criteria provided, single submitter. Criteria: Invitae Variant Classification Sherloc (09022015). Collection method: clinical testing. Allele origin: germline.
Comment: This sequence change replaces glutamine, which is neutral and polar, with arginine, which is basic and polar, at codon 318 of the COL4A2 protein (p.Gln318Arg). In summary, the available evidence is currently insufficient to determine the role of this variant in disease. Therefore, it has been classified as a Variant of Uncertain Significance. Advanced modeling of protein sequence and biophysical properties (such as structural, functional, and spatial information, amino acid conservation, physicochemical variation, residue mobility, and thermodynamic stability) performed at Invitae indicates that this missense variant is not expected to disrupt COL4A2 protein function. This variant has not been reported in the literature in individuals affected with COL4A2-related conditions. This variant is present in population databases (no rsID available, gnomAD 0.003%).